The following is an entry in ClinVar:

ClinVar aggregate classification (germline): Uncertain significance (1 of 4 stars; one submission).

Conditions:
Inborn genetic diseases. Identifiers: MedGen C0950123, MeSH D030342.

Submission:

Ambry Genetics
Classification: Uncertain significance for Inborn genetic diseases. Last evaluated: 2025-06-15. Review status: criteria provided, single submitter. Criteria: Ambry Variant Classification Scheme 2023. Collection method: clinical testing. Allele origin: germline.
Comment: The p.S92C variant (also known as c.274A>T), located in coding exon 2 of the GATA2 gene, results from an A to T substitution at nucleotide position 274. The serine at codon 92 is replaced by cysteine, an amino acid with dissimilar properties. This amino acid position is conserved. In addition, the in silico prediction for this alteration is inconclusive. Based on the available evidence, the clinical significance of this variant remains unclear.

NM_032638.5(GATA2):c.274A>T (p.Ser92Cys)

Gene: GATA2 (GATA binding protein 2; minus strand). Cytogenetic location: 3q21.3.
Variant type: single nucleotide variant.
Coding change: c.274A>T on transcript NM_032638.5 (MANE Select); coding-DNA position 274, A replaced by T.
Protein change: p.Ser92Cys; replaces serine 92 with cysteine.
Molecular consequence: missense variant.
Genome position (GRCh38, 1-based): chr3:128,486,324, T>A on the plus strand (A>T on the coding strand, the complement: GATA2 is on the minus strand). VCF-style: chr3-128486324-T-A. GRCh37 (hg19) VCF-style: chr3-128205167-T-A.
Other names: c.274A>T, p.Ser92Cys (NM_001145661.2, NM_001145662.1); short protein forms S92C.
Identifiers: ClinVar variation 4262104 (VCV004262104.1).
Genomic context (GRCh38, chr3:128,486,324, plus strand): 5'-GGTGGGCCGCAGCGGCAGAGAGGGCTGCTTTGCCCCCGTCCAGCCAGGGCAAACCCGGGC[T>A]GTGCAACAAGTGTGGGCGGCACATCTGGCCTCCGGTCAGGCGGGCTGCGGGCAAAGAGAG-3'
Protein context (NP_116027.2, residues 82-102): GQMCRPHLLH[Ser92Cys]PGLPWLDGGK